The following is an entry in ClinVar:

ClinVar aggregate classification (germline): Benign. Review status: criteria provided, multiple submitters, no conflicts (2 of 4 stars). 3 submissions from 3 submitters: Benign (3). Last evaluated 2021-07-14.

Conditions:
Timothy syndrome (TS). Also called: LONG QT SYNDROME WITH SYNDACTYLY. Identifiers: Orphanet 65283, MedGen C1832916, MeSH C536962, MONDO:0010979, OMIM 601005.

Allele frequency attached by ClinVar (database versions not stated): 1000 Genomes Project 30x 0.54544; TOPMed 0.55372; 1000 Genomes Project 0.55391; ESP Exome Variant Server 0.56637; gnomAD 0.56695 and 0.57699; gnomAD exomes 0.69304; ExAC 0.69524.
gnomAD v4.1: 1,072,013 of 1,548,686 alleles (69%); highest among the groups gnomAD compares: Admixed American, 78%; 381,859 homozygotes.

Submissions (3):

Genome-Nilou Lab
Classification: Benign for Timothy syndrome. Last evaluated: 2021-07-14. Review status: criteria provided, single submitter. Criteria: ACMG Guidelines, 2015. Collection method: clinical testing. Allele origin: germline. Affected: no.

GeneDx
Classification: Benign. Last evaluated: 2018-06-14. Review status: criteria provided, single submitter. Criteria: GeneDx Variant Classification (06012015). Collection method: clinical testing. Allele origin: germline. Affected: yes.
Comment: This variant is considered likely benign or benign based on one or more of the following criteria: it is a conservative change, it occurs at a poorly conserved position in the protein, it is predicted to be benign by multiple in silico algorithms, and/or has population frequency not consistent with disease.

Breakthrough Genomics
Classification: Benign. Review status: criteria provided, single submitter. Criteria: ACMG Guidelines, 2015. Collection method: not provided. Allele origin: germline. Inheritance: Autosomal dominant inheritance. Affected: yes.

NM_000719.7(CACNA1C):c.4074+36G>A

Gene: CACNA1C (calcium voltage-gated channel subunit alpha1 C; plus strand). Cytogenetic location: 12p13.33.
Variant type: single nucleotide variant.
Coding change: c.4074+36G>A on transcript NM_000719.7 (MANE Select); 36 bases into the intron after coding-DNA position 4074, G replaced by A.
Molecular consequence: intron variant.
Genome position (GRCh38, 1-based): chr12:2,651,804, G>A. VCF-style: chr12-2651804-G-A. GRCh37 (hg19) VCF-style: chr12-2760970-G-A.
Other names: c.4074+36G>A (NM_001167624.3, NM_001167623.2, NM_001129840.2 and 7 more transcripts); c.4041+36G>A (NM_001167625.2, NM_001129837.2, NM_001129838.2 and 1 more transcripts); c.4218+36G>A (NM_199460.4, NM_001129827.2); c.4134+36G>A (NM_001129832.2); c.4158+36G>A (NM_001129831.2); c.4140+36G>A (NM_001129829.2); c.4035+36G>A (NM_001129839.2); c.4125+36G>A (NM_001129836.2); and 1 more.
Identifiers: ClinVar variation 670940 (VCV000670940.5), dbSNP rs1990322, ClinGen allele CA6389458.